The following is an entry in ClinVar:

ClinVar aggregate classification (germline): Likely benign (1 of 4 stars; one submission).

Submission:

CeGaT Center for Human Genetics Tuebingen
Classification: Likely benign. Last evaluated: 2026-09-01. Review status: criteria provided, single submitter. Criteria: CeGaT Center For Human Genetics Tuebingen Variant Classification Criteria Version 2. Collection method: clinical testing. Allele origin: germline. Affected: yes. Observed: 3 variant alleles.
Comment: KMT2C: BP4

NM_170606.3(KMT2C):c.7443-6_7443-5insTTTTTTTTTTTTA

Gene: KMT2C (lysine methyltransferase 2C; minus strand). Cytogenetic location: 7q36.1.
Variant type: Insertion.
Coding change: c.7443-6_7443-5insTTTTTTTTTTTTA on transcript NM_170606.3 (MANE Select); 6 bases into the intron before coding-DNA position 7443 through 5 bases into the intron before coding-DNA position 7443, TTTTTTTTTTTTA inserted.
Molecular consequence: intron variant.
Genome position: GRCh38 VCF-style: chr7-152178015-T-TTAAAAAAAAAAAA. GRCh37 (hg19) VCF-style: chr7-151875100-T-TTAAAAAAAAAAAA.
Identifiers: ClinVar variation 2658210 (VCV002658210.24), dbSNP rs1491309235, ClinGen allele CA1108780161.